The following is an entry in ClinVar:

NM_152419.3(HGSNAT):c.1218G>T (p.Leu406Phe)

Gene: HGSNAT (heparan-alpha-glucosaminide N-acetyltransferase; plus strand). Cytogenetic location: 8p11.21.
Variant type: single nucleotide variant.
Coding change: c.1218G>T on transcript NM_152419.3 (MANE Select); coding-DNA position 1218, G replaced by T.
Protein change: p.Leu406Phe; replaces leucine 406 with phenylalanine.
Molecular consequence: missense variant.
Genome position (GRCh38, 1-based): chr8:43,191,563, G>T. VCF-style: chr8-43191563-G-T. GRCh37 (hg19) VCF-style: chr8-43046706-G-T.
Other names: c.1218G>T, p.Leu406Phe (NM_001363227.2); c.1026G>T, p.Leu342Phe (NM_001363228.2); c.354G>T, p.Leu118Phe (NM_001363229.2); short protein forms L118F, L406F, L342F.
Identifiers: ClinVar variation 1441054 (VCV001441054.5), dbSNP rs1425393733, ClinGen allele CA371119268.

ClinVar aggregate classification (germline): Uncertain significance. Review status: criteria provided, multiple submitters, no conflicts (2 of 4 stars). 2 submissions from 2 submitters: Uncertain significance (2). Last evaluated 2025-01-06.

Conditions:
Mucopolysaccharidosis, MPS-III-C (MPS3C). Also called: SANFILIPPO SYNDROME C; MPS III C; MPS IIIC (Sanfilippo Syndrome Type C); MUCOPOLYSACCHARIDOSIS, TYPE IIIC; Mucopolysaccharidosis type IIIC (Sanfilippo C); mucopolysaccharidosis type 3C. Identifiers: Orphanet 581, Orphanet 79271, MedGen C0086649, MONDO:0009657, OMIM 252930.
Retinitis pigmentosa 73 (RP73). Identifiers: Orphanet 791, MedGen C4225287, MONDO:0014687, OMIM 616544.

Allele frequency attached by ClinVar (database versions not stated): TOPMed 0.00002; gnomAD 0.00001; gnomAD exomes 0.00001.

Submissions (2):

Labcorp Genetics (formerly Invitae), Labcorp
Classification: Uncertain significance for Retinitis pigmentosa 73; Mucopolysaccharidosis, MPS-III-C. Last evaluated: 2025-01-06. Review status: criteria provided, single submitter. Criteria: Invitae Variant Classification Sherloc (09022015). Collection method: clinical testing. Allele origin: germline.
Comment: This sequence change replaces leucine, which is neutral and non-polar, with phenylalanine, which is neutral and non-polar, at codon 406 of the HGSNAT protein (p.Leu406Phe). This variant is present in population databases (no rsID available, gnomAD 0.003%). This variant has not been reported in the literature in individuals affected with HGSNAT-related conditions. ClinVar contains an entry for this variant (Variation ID: 1441054). Invitae Evidence Modeling of protein sequence and biophysical properties (such as structural, functional, and spatial information, amino acid conservation, physicochemical variation, residue mobility, and thermodynamic stability) indicates that this missense variant is not expected to disrupt HGSNAT protein function with a negative predictive value of 95%. In summary, the available evidence is currently insufficient to determine the role of this variant in disease. Therefore, it has been classified as a Variant of Uncertain Significance.

Blueprint Genetics
Classification: Uncertain significance. Last evaluated: 2019-09-10. Review status: criteria provided, single submitter. Criteria: ACMG Guidelines, 2015. Collection method: clinical testing. Allele origin: germline.